The following is an entry in ClinVar:

NM_000180.4(GUCY2D):c.1295C>G (p.Thr432Ser)

Gene: GUCY2D (guanylate cyclase 2D, retinal; plus strand). Cytogenetic location: 17p13.1.
Variant type: single nucleotide variant.
Coding change: c.1295C>G on transcript NM_000180.4 (MANE Select); coding-DNA position 1295, C replaced by G.
Protein change: p.Thr432Ser; replaces threonine 432 with serine.
Molecular consequence: missense variant.
Genome position (GRCh38, 1-based): chr17:8,006,631, C>G. VCF-style: chr17-8006631-C-G. GRCh37 (hg19) VCF-style: chr17-7909949-C-G.
Other names: short protein forms T432S.
Identifiers: ClinVar variation 3752666 (VCV003752666.2).

ClinVar aggregate classification (germline): Uncertain significance (1 of 4 stars; one submission).

Conditions:
Cone-rod dystrophy 6 (CORD6). Also called: Cone dystrophy progressive; RETINAL CONE DYSTROPHY 2. Identifiers: Orphanet 1872, MedGen C1866293, MONDO:0011143, OMIM 601777.
Leber congenital amaurosis 1 (LCA1). Also called: AMAUROSIS CONGENITA OF LEBER I; Congenital absence of the rods and cones; Leber's congenital tapetoretinal degeneration; Leber's congenital tapetoretinal dysplasia; RETINAL BLINDNESS, CONGENITAL. Identifiers: Orphanet 65, MedGen C2931258, MONDO:0008764, OMIM 204000.

gnomAD v4.1: 11 of 1,612,796 alleles (0.00068%); highest among the groups gnomAD compares: African/African-American, 0.015%; no homozygotes.

Submission:

Labcorp Genetics (formerly Invitae), Labcorp
Classification: Uncertain significance for Leber congenital amaurosis 1; Cone-rod dystrophy 6. Last evaluated: 2024-03-15. Review status: criteria provided, single submitter. Criteria: Invitae Variant Classification Sherloc (09022015). Collection method: clinical testing. Allele origin: germline.
Comment: This sequence change replaces threonine, which is neutral and polar, with serine, which is neutral and polar, at codon 432 of the GUCY2D protein (p.Thr432Ser). This variant is present in population databases (no rsID available, gnomAD 0.03%). This variant has not been reported in the literature in individuals affected with GUCY2D-related conditions. Advanced modeling of protein sequence and biophysical properties (such as structural, functional, and spatial information, amino acid conservation, physicochemical variation, residue mobility, and thermodynamic stability) performed at Invitae indicates that this missense variant is not expected to disrupt GUCY2D protein function with a negative predictive value of 80%. In summary, the available evidence is currently insufficient to determine the role of this variant in disease. Therefore, it has been classified as a Variant of Uncertain Significance.